The following is an entry in ClinVar:

ClinVar aggregate classification (germline): Conflicting classifications of pathogenicity. Review status: criteria provided, conflicting classifications (1 of 4 stars). 2 submissions from 2 submitters: Pathogenic (1); Uncertain significance (1). Last evaluated 2026-04-27.

Conditions:
Hereditary cancer-predisposing syndrome. Also called: Hereditary Cancer Syndrome; Neoplastic Syndromes, Hereditary; Tumor predisposition; Hereditary neoplastic syndrome. Identifiers: Orphanet 140162, MedGen C0027672, MeSH D009386, MONDO:0015356.

Submissions (2):

Ambry Genetics
Classification: Uncertain significance for Hereditary cancer-predisposing syndrome. Last evaluated: 2026-04-27. Review status: criteria provided, single submitter. Criteria: Ambry Variant Classification Scheme 2023. Collection method: clinical testing. Allele origin: germline.
Comment: The p.Q522* variant (also known as c.1564C>T), located in coding exon 15 of the POLE gene, results from a C to T substitution at nucleotide position 1564. This changes the amino acid from a glutamine to a stop codon within coding exon 15. This alteration is expected to result in loss of function by premature protein truncation or nonsense-mediated mRNA decay. Although biallelic loss of function of POLE has been associated with autosomal recessive POLE deficiency, haploinsufficiency of POLE has not been established as a mechanism of disease for POLE-related polymerase proofreading-associated polyposis (PPAP) and POLE-related CMMRD-like syndrome. Based on the supporting evidence, this variant is expected to be causative of POLE deficiency when present along with a second pathogenic variant on the other allele; however, its clinical significance for PPAP and POLE-related CMMRD-like syndrome is unclear.

Labcorp Genetics (formerly Invitae), Labcorp
Classification: Pathogenic. Last evaluated: 2022-05-11. Review status: criteria provided, single submitter. Criteria: Invitae Variant Classification Sherloc (09022015). Collection method: clinical testing. Allele origin: germline.
Comment: For these reasons, this variant has been classified as Pathogenic. Algorithms developed to predict the effect of sequence changes on RNA splicing suggest that this variant may create or strengthen a splice site. ClinVar contains an entry for this variant (Variation ID: 944042). This variant has not been reported in the literature in individuals affected with POLE-related conditions. This variant is not present in population databases (gnomAD no frequency). This sequence change creates a premature translational stop signal (p.Gln522*) in the POLE gene. It is expected to result in an absent or disrupted protein product. Loss-of-function variants in POLE are known to be pathogenic (PMID: 23230001, 25948378, 30503519).

Literature cited by the submitters: PubMed 23230001 (cited by Labcorp Genetics (formerly Invitae), Labcorp); PubMed 25948378 (cited by Labcorp Genetics (formerly Invitae), Labcorp); PubMed 30503519 (cited by Labcorp Genetics (formerly Invitae), Labcorp).

NM_006231.4(POLE):c.1564C>T (p.Gln522Ter)

Gene: POLE (DNA polymerase epsilon, catalytic subunit; minus strand). Cytogenetic location: 12q24.33.
Variant type: single nucleotide variant.
Coding change: c.1564C>T on transcript NM_006231.4 (MANE Select); coding-DNA position 1564, C replaced by T.
Protein change: p.Gln522Ter; replaces glutamine 522 with a stop codon.
Molecular consequence: nonsense.
Genome position (GRCh38, 1-based): chr12:132,672,749, G>A on the plus strand (C>T on the coding strand, the complement: POLE is on the minus strand). VCF-style: chr12-132672749-G-A. GRCh37 (hg19) VCF-style: chr12-133249335-G-A.
Other names: c.1564C>T (NM_006231.2); short protein forms Q522*.
Identifiers: ClinVar variation 944042 (VCV000944042.10), dbSNP rs2042959627, ClinGen allele CA387357065.